The following is an entry in ClinVar:

ClinVar aggregate classification (germline): Uncertain significance (1 of 4 stars; one submission).

Allele frequency attached by ClinVar (database versions not stated): ExAC 0.00001; gnomAD exomes 0.00001.
gnomAD v4.1: 7 of 1,613,880 alleles (0.00043%); highest among the groups gnomAD compares: East Asian, 0.0089%; no homozygotes.

Submission:

Labcorp Genetics (formerly Invitae), Labcorp
Classification: Uncertain significance. Last evaluated: 2022-02-07. Review status: criteria provided, single submitter. Criteria: Invitae Variant Classification Sherloc (09022015). Collection method: clinical testing. Allele origin: germline.
Comment: In summary, the available evidence is currently insufficient to determine the role of this variant in disease. Therefore, it has been classified as a Variant of Uncertain Significance. Algorithms developed to predict the effect of missense changes on protein structure and function are either unavailable or do not agree on the potential impact of this missense change (SIFT: "Deleterious"; PolyPhen-2: "Benign"; Align-GVGD: "Class C25"). This variant has not been reported in the literature in individuals affected with RAB11B-related conditions. This variant is present in population databases (rs778674562, gnomAD 0.01%). This sequence change replaces valine, which is neutral and non-polar, with isoleucine, which is neutral and non-polar, at codon 161 of the RAB11B protein (p.Val161Ile).

NM_004218.4(RAB11B):c.481G>A (p.Val161Ile)

Gene: RAB11B (RAB11B, member RAS oncogene family; plus strand). Cytogenetic location: 19p13.2.
Variant type: single nucleotide variant.
Coding change: c.481G>A on transcript NM_004218.4 (MANE Select); coding-DNA position 481, G replaced by A.
Protein change: p.Val161Ile; replaces valine 161 with isoleucine.
Molecular consequence: missense variant.
Genome position (GRCh38, 1-based): chr19:8,402,535, G>A. VCF-style: chr19-8402535-G-A. GRCh37 (hg19) VCF-style: chr19-8467419-G-A.
Other names: short protein forms V161I.
Identifiers: ClinVar variation 1970374 (VCV001970374.5), dbSNP rs778674562, ClinGen allele CA9156376.